The following is an entry in ClinVar:

NM_000441.2(SLC26A4):c.1137C>G (p.Ile379Met)

Gene: SLC26A4 (solute carrier family 26 member 4; plus strand). Cytogenetic location: 7q22.3.
Variant type: single nucleotide variant.
Coding change: c.1137C>G on transcript NM_000441.2 (MANE Select); coding-DNA position 1137, C replaced by G.
Protein change: p.Ile379Met; replaces isoleucine 379 with methionine.
Molecular consequence: missense variant.
Genome position (GRCh38, 1-based): chr7:107,689,188, C>G. VCF-style: chr7-107689188-C-G. GRCh37 (hg19) VCF-style: chr7-107329633-C-G.
Other names: short protein forms I379M.
Identifiers: ClinVar variation 3371561 (VCV003371561.2).

ClinVar aggregate classification (germline): Uncertain significance. Review status: criteria provided, multiple submitters, no conflicts (2 of 4 stars). 2 submissions from 2 submitters: Uncertain significance (2). Last evaluated 2025-04-03.

Conditions:
Inborn genetic diseases. Identifiers: MedGen C0950123, MeSH D030342.

Submissions (2):

Ambry Genetics
Classification: Uncertain significance for Inborn genetic diseases. Last evaluated: 2025-04-03. Review status: criteria provided, single submitter. Criteria: Ambry Variant Classification Scheme 2023. Collection method: clinical testing. Allele origin: germline.

GeneDx
Classification: Uncertain significance. Last evaluated: 2024-04-09. Review status: criteria provided, single submitter. Criteria: GeneDx Variant Classification Process June 2021. Collection method: clinical testing. Allele origin: germline. Affected: yes.
Comment: Not observed at significant frequency in large population cohorts (gnomAD); In silico analysis indicates that this missense variant does not alter protein structure/function; Has not been previously published as pathogenic or benign to our knowledge